The following is an entry in ClinVar:

NM_000051.4(ATM):c.2761G>A (p.Ala921Thr)

Gene: ATM (ATM serine/threonine kinase; plus strand). Cytogenetic location: 11q22.3.
Variant type: single nucleotide variant.
Coding change: c.2761G>A on transcript NM_000051.4 (MANE Select); coding-DNA position 2761, G replaced by A.
Protein change: p.Ala921Thr; replaces alanine 921 with threonine.
Molecular consequence: missense variant.
Genome position (GRCh38, 1-based): chr11:108,268,532, G>A. VCF-style: chr11-108268532-G-A. GRCh37 (hg19) VCF-style: chr11-108139259-G-A.
Other names: c.2761G>A, p.Ala921Thr (NM_001351834.2); short protein forms A921T.
Identifiers: ClinVar variation 567820 (VCV000567820.27), dbSNP rs1565419701, ClinGen allele CA382545474.

ClinVar aggregate classification (germline): Uncertain significance. Review status: criteria provided, multiple submitters, no conflicts (2 of 4 stars). 5 submissions from 5 submitters: Uncertain significance (4). 1 of the submissions does not count toward it. Last evaluated 2025-06-09.

Conditions:
Ataxia-telangiectasia syndrome (AT). Also called: Ataxia telangiectasia (A-T); Ataxia-telangiectasia, complementation group D; AT, COMPLEMENTATION GROUP C; ATAXIA-TELANGIECTASIA, COMPLEMENTATION GROUP A; Ataxia-telangiectasia, complementation group E; ATAXIA-TELANGIECTASIA, FRESNO VARIANT. Identifiers: Orphanet 100, MedGen C0004135, MONDO:0008840, OMIM 208900.
Hereditary cancer-predisposing syndrome. Also called: Neoplastic Syndromes, Hereditary; Tumor predisposition; Hereditary Cancer Syndrome; Hereditary neoplastic syndrome. Identifiers: Orphanet 140162, MedGen C0027672, MeSH D009386, MONDO:0015356.

Submissions (5):

Ambry Genetics
Classification: Uncertain significance for Hereditary cancer-predisposing syndrome. Last evaluated: 2025-06-09. Review status: criteria provided, single submitter. Criteria: Ambry Variant Classification Scheme 2023. Collection method: clinical testing. Allele origin: germline.
Comment: The p.A921T variant (also known as c.2761G>A), located in coding exon 17 of the ATM gene, results from a G to A substitution at nucleotide position 2761. The alanine at codon 921 is replaced by threonine, an amino acid with similar properties. This amino acid position is not well conserved in available vertebrate species. In addition, this alteration is predicted to be tolerated by in silico analysis. Since supporting evidence is limited at this time, the clinical significance of this alteration remains unclear.

Center for Genomic Medicine, Rigshospitalet, Copenhagen University Hospital
Classification: Uncertain significance. Last evaluated: 2025-03-04. Review status: criteria provided, single submitter. Criteria: ACMG Guidelines, 2015. Collection method: clinical testing. Allele origin: germline.

Labcorp Genetics (formerly Invitae), Labcorp
Classification: Uncertain significance for Ataxia-telangiectasia syndrome. Last evaluated: 2025-01-01. Review status: criteria provided, single submitter. Criteria: Invitae Variant Classification Sherloc (09022015). Collection method: clinical testing. Allele origin: germline.
Comment: This sequence change replaces alanine, which is neutral and non-polar, with threonine, which is neutral and polar, at codon 921 of the ATM protein (p.Ala921Thr). This variant is not present in population databases (gnomAD no frequency). This variant has not been reported in the literature in individuals affected with ATM-related conditions. ClinVar contains an entry for this variant (Variation ID: 567820). Invitae Evidence Modeling of protein sequence and biophysical properties (such as structural, functional, and spatial information, amino acid conservation, physicochemical variation, residue mobility, and thermodynamic stability) indicates that this missense variant is not expected to disrupt ATM protein function with a negative predictive value of 95%. In summary, the available evidence is currently insufficient to determine the role of this variant in disease. Therefore, it has been classified as a Variant of Uncertain Significance.

Color Diagnostics, LLC DBA Color Health
Classification: Uncertain significance for Hereditary cancer-predisposing syndrome. Last evaluated: 2019-04-10. Review status: criteria provided, single submitter. Criteria: ACMG Guidelines, 2015. Collection method: clinical testing. Allele origin: germline.

Natera, Inc.
Classification: Uncertain significance for Ataxia-telangiectasia. Last evaluated: 2021-02-03. Review status: no assertion criteria provided. Collection method: clinical testing. Allele origin: germline. Not counted in ClinVar's aggregate classification.